The following is an entry in ClinVar:

NM_001927.4(DES):c.443C>T (p.Pro148Leu)

Gene: DES (desmin; plus strand). Cytogenetic location: 2q35.
Variant type: single nucleotide variant.
Coding change: c.443C>T on transcript NM_001927.4 (MANE Select); coding-DNA position 443, C replaced by T.
Protein change: p.Pro148Leu; replaces proline 148 with leucine.
Molecular consequence: missense variant.
Genome position (GRCh38, 1-based): chr2:219,418,905, C>T. VCF-style: chr2-219418905-C-T. GRCh37 (hg19) VCF-style: chr2-220283627-C-T.
Other names: c.443C>T, p.Pro148Leu (NM_001382708.1, NM_001382709.1, NM_001382710.1 and 3 more transcripts); short protein forms P148L.
Identifiers: ClinVar variation 3839552 (VCV003839552.2).

ClinVar aggregate classification (germline): Uncertain significance. Review status: criteria provided, multiple submitters, no conflicts (2 of 4 stars). 2 submissions from 2 submitters: Uncertain significance (2). Last evaluated 2025-04-30.

Conditions:
Cardiovascular phenotype. Identifiers: MedGen CN230736.
Desmin-related myofibrillar myopathy (MFM1). Also called: Desminopathy; Desmin related myopathy (former name); Desmin storage myopathy (former name); Myofibrillar myopathy 1; MYOFIBRILLAR MYOPATHY WITH ARRHYTHMOGENIC RIGHT VENTRICULAR CARDIOMYOPATHY; DESMIN-RELATED MYOPATHY WITH ARRHYTHMOGENIC RIGHT VENTRICULAR CARDIOMYOPATHY. Identifiers: Orphanet 363543, Orphanet 98909, MedGen C1832370, MONDO:0011076, OMIM 601419.

gnomAD v4.1: 19 of 1,563,890 alleles (0.0012%); highest among the groups gnomAD compares: Non-Finnish European, 0.0016%; no homozygotes.

Submissions (2):

Labcorp Genetics (formerly Invitae), Labcorp
Classification: Uncertain significance for Desmin-related myofibrillar myopathy. Last evaluated: 2025-04-30. Review status: criteria provided, single submitter. Criteria: Invitae Variant Classification Sherloc (09022015). Collection method: clinical testing. Allele origin: germline.
Comment: This sequence change replaces proline, which is neutral and non-polar, with leucine, which is neutral and non-polar, at codon 148 of the DES protein (p.Pro148Leu). This variant is not present in population databases (gnomAD no frequency). This variant has not been reported in the literature in individuals affected with DES-related conditions. Invitae Evidence Modeling of protein sequence and biophysical properties (such as structural, functional, and spatial information, amino acid conservation, physicochemical variation, residue mobility, and thermodynamic stability) has been performed for this missense variant. However, the output from this modeling did not meet the statistical confidence thresholds required to predict the impact of this variant on DES protein function. In summary, the available evidence is currently insufficient to determine the role of this variant in disease. Therefore, it has been classified as a Variant of Uncertain Significance.

Ambry Genetics
Classification: Uncertain significance for Cardiovascular phenotype. Last evaluated: 2025-01-13. Review status: criteria provided, single submitter. Criteria: Ambry Variant Classification Scheme 2023. Collection method: clinical testing. Allele origin: germline.
Comment: The p.P148L variant (also known as c.443C>T), located in coding exon 1 of the DES gene, results from a C to T substitution at nucleotide position 443. The proline at codon 148 is replaced by leucine, an amino acid with similar properties. This amino acid position is well conserved in available vertebrate species. In addition, the in silico prediction for this alteration is inconclusive. Based on the available evidence, the clinical significance of this variant remains unclear.